The following is an entry in ClinVar:

NM_032043.3(BRIP1):c.1014A>C (p.Glu338Asp)

Gene: BRIP1 (BRCA1 interacting DNA helicase 1; minus strand). Cytogenetic location: 17q23.2.
Variant type: single nucleotide variant.
Coding change: c.1014A>C on transcript NM_032043.3 (MANE Select); coding-DNA position 1014, A replaced by C.
Protein change: p.Glu338Asp; replaces glutamic acid 338 with aspartic acid.
Molecular consequence: missense variant.
Genome position (GRCh38, 1-based): chr17:61,801,379, T>G on the plus strand (A>C on the coding strand, the complement: BRIP1 is on the minus strand). VCF-style: chr17-61801379-T-G. GRCh37 (hg19) VCF-style: chr17-59878740-T-G.
Other names: short protein forms E338D.
Identifiers: ClinVar variation 1738339 (VCV001738339.2), dbSNP rs1490732516, ClinGen allele CA400484112.

ClinVar aggregate classification (germline): Uncertain significance (1 of 4 stars; one submission).

Conditions:
Hereditary cancer-predisposing syndrome. Also called: Hereditary Cancer Syndrome; Hereditary neoplastic syndrome; Neoplastic Syndromes, Hereditary; Tumor predisposition. Identifiers: Orphanet 140162, MedGen C0027672, MeSH D009386, MONDO:0015356.

Submission:

Ambry Genetics
Classification: Uncertain significance for Hereditary cancer-predisposing syndrome. Last evaluated: 2021-04-29. Review status: criteria provided, single submitter. Criteria: Ambry Variant Classification Scheme 2023. Collection method: clinical testing. Allele origin: germline.
Comment: The p.E338D variant (also known as c.1014A>C), located in coding exon 7 of the BRIP1 gene, results from an A to C substitution at nucleotide position 1014. The glutamic acid at codon 338 is replaced by aspartic acid, an amino acid with highly similar properties. This amino acid position is highly conserved in available vertebrate species. In addition, the in silico prediction for this alteration is inconclusive. Since supporting evidence is limited at this time, the clinical significance of this alteration remains unclear.